The following is an entry in ClinVar:

NM_000321.3(RB1):c.560C>G (p.Ser187Cys)

Gene: RB1 (RB transcriptional corepressor 1; plus strand). Cytogenetic location: 13q14.2.
Variant type: single nucleotide variant.
Coding change: c.560C>G on transcript NM_000321.3 (MANE Select); coding-DNA position 560, C replaced by G.
Protein change: p.Ser187Cys; replaces serine 187 with cysteine.
Molecular consequence: missense variant.
Genome position (GRCh38, 1-based): chr13:48,348,976, C>G. VCF-style: chr13-48348976-C-G. GRCh37 (hg19) VCF-style: chr13-48923112-C-G.
Other names: short protein forms S187C.
Identifiers: ClinVar variation 1006348 (VCV001006348.12), dbSNP rs770277291, ClinGen allele CA388156922.

ClinVar aggregate classification (germline): Uncertain significance. Review status: criteria provided, multiple submitters, no conflicts (2 of 4 stars). 2 submissions from 2 submitters: Uncertain significance (2). Last evaluated 2024-11-25.

Conditions:
Hereditary cancer-predisposing syndrome. Also called: Hereditary neoplastic syndrome; Neoplastic Syndromes, Hereditary; Tumor predisposition; Hereditary Cancer Syndrome. Identifiers: Orphanet 140162, MedGen C0027672, MeSH D009386, MONDO:0015356.
Retinoblastoma (RB1). Also called: RETINOBLASTOMA, SOMATIC. Identifiers: Orphanet 790, MedGen C0035335, MeSH D012175, MONDO:0008380, OMIM 180200, HP:0009919. Disease mechanism: loss of function. Inheritance: Both sporadic and heritable forms are tested..

gnomAD v4.1: 2 of 1,601,418 alleles (0.00012%); highest among the groups gnomAD compares: African/African-American, 0.0027%; no homozygotes.

Submissions (2):

Ambry Genetics
Classification: Uncertain significance for Hereditary cancer-predisposing syndrome. Last evaluated: 2024-11-25. Review status: criteria provided, single submitter. Criteria: Ambry Variant Classification Scheme 2023. Collection method: clinical testing. Allele origin: germline.
Comment: The p.S187C variant (also known as c.560C>G), located in coding exon 6 of the RB1 gene, results from a C to G substitution at nucleotide position 560. The serine at codon 187 is replaced by cysteine, an amino acid with dissimilar properties. This amino acid position is highly conserved in available vertebrate species. In addition, this alteration is predicted to be tolerated by in silico analysis. Since supporting evidence is limited at this time, the clinical significance of this alteration remains unclear.

Labcorp Genetics (formerly Invitae), Labcorp
Classification: Uncertain significance for Retinoblastoma. Last evaluated: 2022-06-09. Review status: criteria provided, single submitter. Criteria: Invitae Variant Classification Sherloc (09022015). Collection method: clinical testing. Allele origin: germline.
Comment: This sequence change replaces serine, which is neutral and polar, with cysteine, which is neutral and slightly polar, at codon 187 of the RB1 protein (p.Ser187Cys). In summary, the available evidence is currently insufficient to determine the role of this variant in disease. Therefore, it has been classified as a Variant of Uncertain Significance. Algorithms developed to predict the effect of missense changes on protein structure and function are either unavailable or do not agree on the potential impact of this missense change (SIFT: "Deleterious"; PolyPhen-2: "Probably Damaging"; Align-GVGD: "Class C15"). ClinVar contains an entry for this variant (Variation ID: 1006348). This variant has not been reported in the literature in individuals affected with RB1-related conditions. This variant is not present in population databases (gnomAD no frequency).